The following is an entry in ClinVar:

ClinVar aggregate classification (germline): Likely benign. Review status: criteria provided, single submitter (1 of 4 stars). 2 submissions from 2 submitters: Likely benign (1). 1 of the submissions does not count toward it. Last evaluated 2025-11-23.

Conditions:
EP300-related disorder. Also called: EP300-related condition; EP300-related disorders.
Rubinstein-Taybi syndrome due to EP300 haploinsufficiency. Also called: EP300-Related Rubinstein-Taybi Syndrome; RUBINSTEIN-TAYBI SYNDROME 2. Identifiers: Orphanet 353284, Orphanet 783, MedGen C3150941, MONDO:0013364, OMIM 613684.

Submissions (2):

Labcorp Genetics (formerly Invitae), Labcorp
Classification: Likely benign for Rubinstein-Taybi syndrome due to EP300 haploinsufficiency. Last evaluated: 2025-11-23. Review status: criteria provided, single submitter. Criteria: Invitae Variant Classification Sherloc (09022015). Collection method: clinical testing. Allele origin: germline.

PreventionGenetics, part of Exact Sciences
Classification: Likely benign for EP300-related condition. Last evaluated: 2023-10-24. Review status: no assertion criteria provided. Collection method: clinical testing. Allele origin: germline. Not counted in ClinVar's aggregate classification.
Comment: This variant is classified as likely benign based on ACMG/AMP sequence variant interpretation guidelines (Richards et al. 2015 PMID: 25741868, with internal and published modifications).

NM_001429.4(EP300):c.4780-9_4780-6del

Gene: EP300 (EP300 lysine acetyltransferase; plus strand). Cytogenetic location: 22q13.2.
Variant type: Deletion.
Coding change: c.4780-9_4780-6del on transcript NM_001429.4 (MANE Select); 9 bases into the intron before coding-DNA position 4780 through 6 bases into the intron before coding-DNA position 4780, 4 bases deleted (GTTT; older notation c.4780-9_4780-6delGTTT).
Molecular consequence: intron variant.
Genome position (GRCh38, 1-based): chr22:41,176,238-41,176,241, GTTT deleted; deleting any 4 consecutive bases within chr22:41,176,237-41,176,241 gives the same sequence; the c. name uses the placement nearest the transcript's 3' end. VCF-style (leftmost placement, unchanged base first): chr22-41176236-CTGTT-C. GRCh37 (hg19) VCF-style: chr22-41572240-CTGTT-C.
Other names: c.4702-9_4702-6del (NM_001362843.2).
Identifiers: ClinVar variation 3350276 (VCV003350276.2).